The following is an entry in ClinVar:

NM_001330360.2(POLA1):c.4147G>A (p.Ala1383Thr)

Gene: POLA1 (DNA polymerase alpha 1, catalytic subunit; plus strand). Cytogenetic location: Xp22.11.
Variant type: single nucleotide variant.
Coding change: c.4147G>A on transcript NM_001330360.2 (MANE Select); coding-DNA position 4147, G replaced by A.
Protein change: p.Ala1383Thr; replaces alanine 1383 with threonine.
Molecular consequence: missense variant. On other transcripts: non-coding transcript variant (2).
Genome position (GRCh38, 1-based): chrX:24,888,105, G>A. VCF-style: chrX-24888105-G-A. GRCh37 (hg19) VCF-style: chrX-24906222-G-A.
Other names: c.4072G>A, p.Ala1358Thr (NM_001378303.1); c.4129G>A, p.Ala1377Thr (NM_016937.4); short protein forms A1383T, A1358T, A1377T.
Identifiers: ClinVar variation 2957544 (VCV002957544.3), dbSNP rs967389495, ClinGen allele CA327723372.

ClinVar aggregate classification (germline): Uncertain significance (1 of 4 stars; one submission).

Allele frequency attached by ClinVar (database versions not stated): gnomAD 0.00001; TOPMed 0.00004.
gnomAD v4.1: 1 of 1,165,811 alleles (0.000086%); highest among the groups gnomAD compares: Admixed American, 0.0022%; no homozygotes.

Submission:

Labcorp Genetics (formerly Invitae), Labcorp
Classification: Uncertain significance. Last evaluated: 2025-03-21. Review status: criteria provided, single submitter. Criteria: Invitae Variant Classification Sherloc (09022015). Collection method: clinical testing. Allele origin: germline.
Comment: This sequence change replaces alanine, which is neutral and non-polar, with threonine, which is neutral and polar, at codon 1377 of the POLA1 protein (p.Ala1377Thr). This variant is not present in population databases (gnomAD no frequency). This variant has not been reported in the literature in individuals affected with POLA1-related conditions. ClinVar contains an entry for this variant (Variation ID: 2957544). Invitae Evidence Modeling of protein sequence and biophysical properties (such as structural, functional, and spatial information, amino acid conservation, physicochemical variation, residue mobility, and thermodynamic stability) indicates that this missense variant is not expected to disrupt POLA1 protein function with a negative predictive value of 80%. In summary, the available evidence is currently insufficient to determine the role of this variant in disease. Therefore, it has been classified as a Variant of Uncertain Significance.